The following is an entry in ClinVar:

ClinVar aggregate classification (germline): Uncertain significance. Review status: criteria provided, multiple submitters, no conflicts (2 of 4 stars). 2 submissions from 2 submitters: Uncertain significance (2). Last evaluated 2025-04-08.

Conditions:
Inborn genetic diseases. Identifiers: MedGen C0950123, MeSH D030342.

gnomAD v4.1: 38 of 1,605,498 alleles (0.0024%); highest among the groups gnomAD compares: Admixed American, 0.005%; no homozygotes.

Submissions (2):

Ambry Genetics
Classification: Uncertain significance for Inborn genetic diseases. Last evaluated: 2025-04-08. Review status: criteria provided, single submitter. Criteria: Ambry Variant Classification Scheme 2023. Collection method: clinical testing. Allele origin: germline.

Labcorp Genetics (formerly Invitae), Labcorp
Classification: Uncertain significance. Last evaluated: 2024-04-16. Review status: criteria provided, single submitter. Criteria: Invitae Variant Classification Sherloc (09022015). Collection method: clinical testing. Allele origin: germline.
Comment: This sequence change replaces proline, which is neutral and non-polar, with serine, which is neutral and polar, at codon 266 of the APC2 protein (p.Pro266Ser). This variant is present in population databases (rs146579468, gnomAD 0.003%). This variant has not been reported in the literature in individuals affected with APC2-related conditions. ClinVar contains an entry for this variant (Variation ID: 2077860). Algorithms developed to predict the effect of missense changes on protein structure and function output the following: SIFT: "Not Available"; PolyPhen-2: "Benign"; Align-GVGD: "Not Available". The serine amino acid residue is found in multiple mammalian species, which suggests that this missense change does not adversely affect protein function. In summary, the available evidence is currently insufficient to determine the role of this variant in disease. Therefore, it has been classified as a Variant of Uncertain Significance.

NM_005883.3(APC2):c.796C>T (p.Pro266Ser)

Gene: APC2 (APC regulator of Wnt signaling pathway 2; plus strand). Cytogenetic location: 19p13.3.
Variant type: single nucleotide variant.
Coding change: c.796C>T on transcript NM_005883.3 (MANE Select); coding-DNA position 796, C replaced by T.
Protein change: p.Pro266Ser; replaces proline 266 with serine.
Molecular consequence: missense variant.
Genome position (GRCh38, 1-based): chr19:1,456,384, C>T. VCF-style: chr19-1456384-C-T. GRCh37 (hg19) VCF-style: chr19-1456383-C-T.
Other names: c.793C>T, p.Pro265Ser (NM_001351273.1); c.796C>T (NM_005883.2); short protein forms P266S, P265S.
Identifiers: ClinVar variation 2077860 (VCV002077860.4), dbSNP rs146579468, ClinGen allele CA9044885.